The following is an entry in ClinVar:

NM_001165963.4(SCN1A):c.1685_1688del (p.Ser562fs)

Gene: SCN1A (sodium voltage-gated channel alpha subunit 1; minus strand). Cytogenetic location: 2q24.3.
Variant type: Deletion.
Coding change: c.1685_1688del on transcript NM_001165963.4 (MANE Select); coding-DNA positions 1685 to 1688, 4 bases deleted (CCCT; older notation c.1685_1688delCCCT).
Protein change: p.Ser562fs; shifts the reading frame from serine 562.
Molecular consequence: frameshift variant. On other transcripts: 5 prime UTR variant (1), non-coding transcript variant (1).
Genome position (GRCh38, 1-based): chr2:166,044,024-166,044,027, AGGG deleted on the plus strand (CCCT on the coding strand, the reverse complement: SCN1A is on the minus strand); deleting any 4 consecutive bases within chr2:166,044,024-166,044,029 gives the same sequence; the c. name uses the placement nearest the transcript's 3' end. VCF-style (leftmost placement, unchanged base first): chr2-166044023-TAGGG-T. GRCh37 (hg19) VCF-style: chr2-166900533-TAGGG-T.
Other names: c.1685_1688del, p.Ser562fs (NM_001165964.3, NM_001202435.3, NM_001353948.2 and 7 more transcripts); c.1682_1685del, p.Ser561fs (NM_001353954.2, NM_001353955.2, NM_001353960.2); c.-741_-738del (NM_001353961.2); short protein forms S561fs, S562fs.
Identifiers: ClinVar variation 1709313 (VCV001709313.2), dbSNP rs2468156232, ClinGen allele CA2580064344.

ClinVar aggregate classification (germline): Likely pathogenic (1 of 4 stars; one submission).

Conditions:
Generalized epilepsy with febrile seizures plus, type 2 (GEFSP2). Also called: GEFS+, TYPE 2. Identifiers: Orphanet 36387, MedGen C1858673, MONDO:0011461, OMIM 604403.

Submission:

MGZ Medical Genetics Center
Classification: Likely pathogenic for Generalized epilepsy with febrile seizures plus, type 2. Last evaluated: 2022-03-28. Review status: criteria provided, single submitter. Criteria: ACMG Guidelines, 2015. Collection method: clinical testing. Allele origin: germline. Affected: yes. Observed: 1 variant allele.
Comment: ACMG criteria applied: PVS1, PM2_SUP